The following is an entry in ClinVar:

ClinVar aggregate classification (germline): Uncertain significance (1 of 4 stars; one submission).

gnomAD v4.1: 1 of 1,614,168 alleles (0.000062%); highest among the groups gnomAD compares: Non-Finnish European, 0.000085%; no homozygotes.

Submission:

GeneDx
Classification: Uncertain significance. Last evaluated: 2023-12-29. Review status: criteria provided, single submitter. Criteria: GeneDx Variant Classification Process June 2021. Collection method: clinical testing. Allele origin: germline. Affected: yes.
Comment: Not observed at significant frequency in large population cohorts (gnomAD); In silico analysis supports that this missense variant has a deleterious effect on protein structure/function; Has not been previously published as pathogenic or benign to our knowledge

NM_001112.4(ADARB1):c.1628C>T (p.Ser543Leu)

Gene: ADARB1 (adenosine deaminase RNA specific B1; plus strand). Cytogenetic location: 21q22.3.
Variant type: single nucleotide variant.
Coding change: c.1628C>T on transcript NM_001112.4 (MANE Select); coding-DNA position 1628, C replaced by T.
Protein change: p.Ser543Leu; replaces serine 543 with leucine.
Molecular consequence: missense variant. On other transcripts: non-coding transcript variant (5).
Genome position (GRCh38, 1-based): chr21:45,204,617, C>T. VCF-style: chr21-45204617-C-T. GRCh37 (hg19) VCF-style: chr21-46624532-C-T.
Other names: c.1628C>T, p.Ser543Leu (NM_001160230.2, NM_001346688.2); c.1895C>T, p.Ser632Leu (NM_001346687.2); c.1775C>T, p.Ser592Leu (NM_001410722.1); c.1748C>T, p.Ser583Leu (NM_015833.4, NM_015834.4); short protein forms S543L, S583L, S592L, S632L.
Identifiers: ClinVar variation 3370262 (VCV003370262.1).